The following is an entry in ClinVar:

ClinVar aggregate classification (germline): Likely pathogenic (1 of 4 stars; one submission).

Submission:

CeGaT Center for Human Genetics Tuebingen
Classification: Likely pathogenic. Last evaluated: 2026-01-01. Review status: criteria provided, single submitter. Criteria: CeGaT Center For Human Genetics Tuebingen Variant Classification Criteria Version 2. Collection method: clinical testing. Allele origin: germline. Affected: yes. Observed: 1 variant allele.
Comment: PALB2: PVS1:Strong, PM2

NM_024675.4(PALB2):c.3381_3382del (p.Ala1128fs)

Gene: PALB2 (partner and localizer of BRCA2; minus strand). Cytogenetic location: 16p12.2.
Variant type: Microsatellite.
Coding change: c.3381_3382del on transcript NM_024675.4 (MANE Select); coding-DNA positions 3381 to 3382, 2 bases deleted (TG; older notation c.3381_3382delTG).
Protein change: p.Ala1128fs; shifts the reading frame from alanine 1128.
Molecular consequence: frameshift variant. On other transcripts: 3 prime UTR variant (5).
Genome position (GRCh38, 1-based): chr16:23,603,638-23,603,639, CA deleted on the plus strand (TG on the coding strand, the reverse complement: PALB2 is on the minus strand); deleting any 2 consecutive bases within chr16:23,603,638-23,603,641 gives the same sequence; the c. name uses the placement nearest the transcript's 3' end. VCF-style (leftmost placement, unchanged base first): chr16-23603637-GCA-G. GRCh37 (hg19) VCF-style: chr16-23614958-GCA-G.
Other names: c.3321_3322del, p.Ala1108fs (NM_001407296.1); c.3309_3310del, p.Ala1104fs (NM_001407297.1); c.3219_3220del, p.Ala1074fs (NM_001407298.1); c.3144_3145del, p.Ala1049fs (NM_001407299.1); c.3102_3103del, p.Ala1035fs (NM_001407300.1); c.*14TG[1] (NM_001407301.1, NM_001407302.1, NM_001407310.1 and 2 more transcripts); c.2496_2497del, p.Ala833fs (NM_001407304.1, NM_001407305.1, NM_001407306.1); c.2334_2335del, p.Ala779fs (NM_001407307.1); and 3 more; short protein forms A1035fs, A1049fs, A1074fs, A1104fs, A1108fs, A1128fs, A306fs, A532fs.
Identifiers: ClinVar variation 4823161 (VCV004823161.4).